The following is an entry in ClinVar:

NM_000051.4(ATM):c.4965del (p.Lys1656fs)

Gene: ATM (ATM serine/threonine kinase; plus strand). Cytogenetic location: 11q22.3.
Variant type: Deletion.
Coding change: c.4965del on transcript NM_000051.4 (MANE Select); coding-DNA position 4965, one base deleted (C; older notation c.4965delC).
Protein change: p.Lys1656fs; shifts the reading frame from lysine 1656.
Molecular consequence: frameshift variant.
Genome position (GRCh38, 1-based): chr11:108,297,342, C deleted; the last of 2 consecutive C bases (chr11:108,297,341-108,297,342); deleting either gives the same sequence. VCF-style (leftmost placement, unchanged base first): chr11-108297340-TC-T. GRCh37 (hg19) VCF-style: chr11-108168067-TC-T.
Other names: c.4965del, p.Lys1656fs (NM_001351834.2); c.4965del (NM_000051.3); short protein forms K1656fs.
Identifiers: ClinVar variation 1710032 (VCV001710032.5), dbSNP rs2546954923, ClinGen allele CA2580083477.

ClinVar aggregate classification (germline): Pathogenic/Likely pathogenic. Review status: criteria provided, multiple submitters, no conflicts (2 of 4 stars). 4 submissions from 4 submitters: Pathogenic (2); Likely pathogenic (2). Last evaluated 2024-10-30.

Conditions:
Familial cancer of breast. Also called: BREAST CANCER, FAMILIAL; Hereditary breast cancer; hereditary breast carcinoma. Identifiers: Orphanet 227535, MedGen C0346153, MONDO:0016419, OMIM 114480. Disease mechanism: loss of function.
Ataxia-telangiectasia syndrome (AT). Also called: Cerebello-oculocutaneous telangiectasia; ATAXIA-TELANGIECTASIA, COMPLEMENTATION GROUP A; ATAXIA-TELANGIECTASIA, FRESNO VARIANT; Ataxia-telangiectasia, complementation group D; AT, COMPLEMENTATION GROUP C; Immunodeficiency with ataxia telangiectasia. Identifiers: Orphanet 100, MedGen C0004135, MONDO:0008840, OMIM 208900.
Hereditary cancer-predisposing syndrome. Also called: Hereditary neoplastic syndrome; Tumor predisposition; Neoplastic Syndromes, Hereditary; Hereditary Cancer Syndrome. Identifiers: Orphanet 140162, MedGen C0027672, MeSH D009386, MONDO:0015356.

Submissions (4):

Ambry Genetics
Classification: Pathogenic for Hereditary cancer-predisposing syndrome. Last evaluated: 2024-10-30. Review status: criteria provided, single submitter. Criteria: Ambry Variant Classification Scheme 2023. Collection method: clinical testing. Allele origin: germline.
Comment: The c.4965delC pathogenic mutation, located in coding exon 32 of the ATM gene, results from a deletion of one nucleotide at nucleotide position 4965, causing a translational frameshift with a predicted alternate stop codon (p.K1656Rfs*4). This variant was detected in 1 of 5589 German BRCA1/2-negative probands with breast cancer (Hauke J et al. Cancer Med, 2018 Apr;7:1349-1358). This variant is considered to be rare based on population cohorts in the Genome Aggregation Database (gnomAD). In addition to the clinical data presented in the literature, this alteration is expected to result in loss of function by premature protein truncation or nonsense-mediated mRNA decay. As such, this alteration is interpreted as a disease-causing mutation.

Fulgent Genetics
Classification: Likely pathogenic for Familial cancer of breast; Ataxia-telangiectasia syndrome. Last evaluated: 2024-04-05. Review status: criteria provided, single submitter. Criteria: ACMG Guidelines, 2015. Collection method: clinical testing. Allele origin: germline.

Myriad Genetics, Inc.
Classification: Pathogenic for Familial cancer of breast. Last evaluated: 2024-01-25. Review status: criteria provided, single submitter. Criteria: Myriad Autosomal Dominant, Autosomal Recessive and X-Linked Classification Criteria (2023). Collection method: clinical testing. Allele origin: unknown.
Comment: This variant is considered pathogenic. This variant creates a frameshift predicted to result in premature protein truncation.

MGZ Medical Genetics Center
Classification: Likely pathogenic for Familial cancer of breast. Last evaluated: 2021-12-15. Review status: criteria provided, single submitter. Criteria: ACMG Guidelines, 2015. Collection method: clinical testing. Allele origin: germline. Affected: yes. Observed: 1 variant allele.
Comment: ACMG criteria applied: PVS1, PM2_SUP

Literature cited by the submitters: PubMed 29522266 (cited by Ambry Genetics).